The following is an entry in ClinVar:

NM_001376256.1(CRYM):c.533C>A (p.Ala178Glu)

Gene: CRYM (crystallin mu; minus strand). Cytogenetic location: 16p12.2.
Variant type: single nucleotide variant.
Coding change: c.533C>A on transcript NM_001376256.1 (MANE Select); coding-DNA position 533, C replaced by A.
Protein change: p.Ala178Glu; replaces alanine 178 with glutamic acid.
Molecular consequence: missense variant.
Genome position (GRCh38, 1-based): chr16:21,267,694, G>T on the plus strand (C>A on the coding strand, the complement: CRYM is on the minus strand). VCF-style: chr16-21267694-G-T. GRCh37 (hg19) VCF-style: chr16-21279015-G-T.
Other names: c.533C>A (NM_001888.3); c.533C>A, p.Ala178Glu (NM_001888.5); short protein forms A178E.
Identifiers: ClinVar variation 3021096 (VCV003021096.4), dbSNP rs772997469, ClinGen allele CA7950679.
Genomic context (GRCh38, chr16:21,267,694, plus strand): 5'-GCACCTGCCACAGCCTCCTGGACCGAAGAACAGACCCGTACCTCTCCTTGCACTGTGTCT[G>T]CAAACTTCTCTGCATTTTCTTTGGTGCGGTTCCATATCCTCACCTTCATTGGGAGTAACA-3'
Protein context (NP_001363185.1, residues 168-188): NRTKENAEKF[Ala178Glu]DTVQGEVRVC

ClinVar aggregate classification (germline): Uncertain significance. Review status: criteria provided, multiple submitters, no conflicts (2 of 4 stars). 2 submissions from 2 submitters: Uncertain significance (2). Last evaluated 2025-12-15.

Allele frequency attached by ClinVar (database versions not stated): ExAC 0.00001; gnomAD exomes 0.00001; TOPMed 0.00002.
gnomAD v4.1: 8 of 1,614,178 alleles (0.0005%); highest among the groups gnomAD compares: Admixed American, 0.013%; no homozygotes.

Submissions (2):

Ambry Genetics
Classification: Uncertain significance. Last evaluated: 2025-12-15. Review status: criteria provided, single submitter. Criteria: Ambry Variant Classification Scheme 2023. Collection method: clinical testing. Allele origin: germline.

Labcorp Genetics (formerly Invitae), Labcorp
Classification: Uncertain significance. Last evaluated: 2024-01-16. Review status: criteria provided, single submitter. Criteria: Invitae Variant Classification Sherloc (09022015). Collection method: clinical testing. Allele origin: germline.
Comment: This sequence change replaces alanine, which is neutral and non-polar, with glutamic acid, which is acidic and polar, at codon 178 of the CRYM protein (p.Ala178Glu). This variant is present in population databases (rs772997469, gnomAD 0.02%). This variant has not been reported in the literature in individuals affected with CRYM-related conditions. Advanced modeling of protein sequence and biophysical properties (such as structural, functional, and spatial information, amino acid conservation, physicochemical variation, residue mobility, and thermodynamic stability) performed at Invitae indicates that this missense variant is not expected to disrupt CRYM protein function with a negative predictive value of 80%. In summary, the available evidence is currently insufficient to determine the role of this variant in disease. Therefore, it has been classified as a Variant of Uncertain Significance.